The following is an entry in ClinVar:

NM_001349253.2(SCN11A):c.2759C>T (p.Ala920Val)

Gene: SCN11A (sodium voltage-gated channel alpha subunit 11; minus strand). Cytogenetic location: 3p22.2.
Variant type: single nucleotide variant.
Coding change: c.2759C>T on transcript NM_001349253.2 (MANE Select); coding-DNA position 2759, C replaced by T.
Protein change: p.Ala920Val; replaces alanine 920 with valine.
Molecular consequence: missense variant.
Genome position (GRCh38, 1-based): chr3:38,894,609, G>A on the plus strand (C>T on the coding strand, the complement: SCN11A is on the minus strand). VCF-style: chr3-38894609-G-A. GRCh37 (hg19) VCF-style: chr3-38936100-G-A.
Other names: p.Ala920Val; c.2759C>T, p.Ala920Val (NM_014139.3); short protein forms A920V.
Identifiers: ClinVar variation 474711 (VCV000474711.16), dbSNP rs759694252, ClinGen allele CA2321974.
Genomic context (GRCh38, chr3:38,894,609, plus strand): 5'-GGTTGTGTGATGCGCTGTGCATTATCTTCACCAGAAAATTCAACGTCATCTTCCTCCTCC[G>A]CAAGTGGTGCCAACCAAGTCCAATCATGCCTGACGCCCAGGGTCTTTGGTACAGAGGTTA-3'
Protein context (NP_001336182.1, residues 910-930): RHDWTWLAPL[Ala920Val]EEEDDVEFSG

ClinVar aggregate classification (germline): Conflicting classifications of pathogenicity. Review status: criteria provided, conflicting classifications (1 of 4 stars). 6 submissions from 6 submitters: Uncertain significance (3); Likely benign (1). 2 of the submissions do not count toward it. Last evaluated 2026-04-03.

Conditions:
Familial episodic pain syndrome with predominantly lower limb involvement. Also called: Episodic pain syndrome, familial, 3. Identifiers: Orphanet 391384, Orphanet 391392, MedGen C3809899, MONDO:0014247, OMIM 615552.
Hereditary sensory and autonomic neuropathy type 7. Also called: HSAN VII; Neuropathy, hereditary sensory and autonomic, type VII. Identifiers: Orphanet 391397, MedGen C3809882, MONDO:0014244, OMIM 615548.
Inborn genetic diseases. Identifiers: MedGen C0950123, MeSH D030342.

Allele frequency attached by ClinVar (database versions not stated): gnomAD 0.00003; TOPMed 0.00006.
gnomAD v4.1: 126 of 1,613,904 alleles (0.0078%); highest among the groups gnomAD compares: Middle Eastern, 0.033%; no homozygotes.

Submissions (6):

GeneDx
Classification: Uncertain significance. Last evaluated: 2026-04-03. Review status: criteria provided, single submitter. Criteria: GeneDx Variant Classification Process June 2021. Collection method: clinical testing. Allele origin: germline.
Comment: Reported as a variant of uncertain significance in an individual with suspected Charcot-Marie-Tooth disease; however, no further clinical or segregation information was provided (PMID: 34169998); In silico analysis supports that this missense variant has a deleterious effect on protein structure/function; This variant is associated with the following publications: (PMID: 28518168, 32461654, 34169998)

Labcorp Genetics (formerly Invitae), Labcorp
Classification: Uncertain significance for Familial episodic pain syndrome with predominantly lower limb involvement; Hereditary sensory and autonomic neuropathy type 7. Last evaluated: 2025-03-06. Review status: criteria provided, single submitter. Criteria: Invitae Variant Classification Sherloc (09022015). Collection method: clinical testing. Allele origin: germline.
Comment: This sequence change replaces alanine, which is neutral and non-polar, with valine, which is neutral and non-polar, at codon 920 of the SCN11A protein (p.Ala920Val). This variant is present in population databases (rs759694252, gnomAD 0.02%). This missense change has been observed in individual(s) with clinical features of SCN11A-related conditions (PMID: 34169998). ClinVar contains an entry for this variant (Variation ID: 474711). Invitae Evidence Modeling of protein sequence and biophysical properties (such as structural, functional, and spatial information, amino acid conservation, physicochemical variation, residue mobility, and thermodynamic stability) indicates that this missense variant is not expected to disrupt SCN11A protein function with a negative predictive value of 80%. In summary, the available evidence is currently insufficient to determine the role of this variant in disease. Therefore, it has been classified as a Variant of Uncertain Significance.

Mayo Clinic Laboratories, Mayo Clinic
Classification: Uncertain significance. Last evaluated: 2025-01-15. Review status: criteria provided, single submitter. Criteria: ACMG Guidelines, 2015. Collection method: clinical testing. Allele origin: germline. Observed: 1 variant allele.
Comment: BS2

Ambry Genetics
Classification: Likely benign for Inborn genetic diseases. Last evaluated: 2021-11-05. Review status: criteria provided, single submitter. Criteria: Ambry Variant Classification Scheme 2023. Collection method: clinical testing. Allele origin: germline.

Clinical Genetics, Academic Medical Center
Classification: Uncertain significance. Review status: no assertion criteria provided. Collection method: clinical testing. Allele origin: germline. Affected: yes. Study: VKGL Data-share Consensus. Not counted in ClinVar's aggregate classification.

Joint Genome Diagnostic Labs from Nijmegen and Maastricht, Radboudumc and MUMC+
Classification: Uncertain significance. Review status: no assertion criteria provided. Collection method: clinical testing. Allele origin: germline. Affected: yes. Study: VKGL Data-share Consensus. Not counted in ClinVar's aggregate classification.

Literature cited by the submitters: PubMed 34169998 (cited by Labcorp Genetics (formerly Invitae), Labcorp and Mayo Clinic Laboratories, Mayo Clinic); PubMed 28518168 (cited by Ambry Genetics); PubMed 32461654 (cited by Ambry Genetics).